The following is an entry in ClinVar:

NM_021942.6(TRAPPC11):c.2581A>G (p.Ile861Val)

Gene: TRAPPC11 (trafficking protein particle complex subunit 11; plus strand). Cytogenetic location: 4q35.1.
Variant type: single nucleotide variant.
Coding change: c.2581A>G on transcript NM_021942.6 (MANE Select); coding-DNA position 2581, A replaced by G.
Protein change: p.Ile861Val; replaces isoleucine 861 with valine.
Molecular consequence: missense variant.
Genome position (GRCh38, 1-based): chr4:183,694,676, A>G. VCF-style: chr4-183694676-A-G. GRCh37 (hg19) VCF-style: chr4-184615829-A-G.
Other names: c.2581A>G, p.Ile861Val (NM_199053.3); short protein forms I861V.
Identifiers: ClinVar variation 1989302 (VCV001989302.4), dbSNP rs933226687, ClinGen allele CA111859346.

ClinVar aggregate classification (germline): Uncertain significance (1 of 4 stars; one submission).

Conditions:
Autosomal recessive limb-girdle muscular dystrophy type R18 (LGMDR18). Also called: Autosomal recessive limb-girdle muscular dystrophy type 2S; MUSCULAR DYSTROPHY, LIMB-GIRDLE, AUTOSOMAL RECESSIVE 18; Limb-girdle muscular dystrophy, type 2S. Identifiers: Orphanet 369840, MedGen C4517996, MONDO:0014144, OMIM 615356.

Allele frequency attached by ClinVar (database versions not stated): gnomAD exomes below 0.00001; gnomAD 0.00001; TOPMed 0.00001.
gnomAD v4.1: 2 of 1,609,478 alleles (0.00012%); highest among the groups gnomAD compares: Admixed American, 0.0034%; no homozygotes.

Submission:

Labcorp Genetics (formerly Invitae), Labcorp
Classification: Uncertain significance for Autosomal recessive limb-girdle muscular dystrophy type R18. Last evaluated: 2022-03-19. Review status: criteria provided, single submitter. Criteria: Invitae Variant Classification Sherloc (09022015). Collection method: clinical testing. Allele origin: germline.
Comment: This sequence change replaces isoleucine, which is neutral and non-polar, with valine, which is neutral and non-polar, at codon 861 of the TRAPPC11 protein (p.Ile861Val). In summary, the available evidence is currently insufficient to determine the role of this variant in disease. Therefore, it has been classified as a Variant of Uncertain Significance. Algorithms developed to predict the effect of sequence changes on RNA splicing suggest that this variant may create or strengthen a splice site. Algorithms developed to predict the effect of missense changes on protein structure and function output the following: SIFT: "Tolerated"; PolyPhen-2: "Benign"; Align-GVGD: "Class C0". The valine amino acid residue is found in multiple mammalian species, which suggests that this missense change does not adversely affect protein function. This variant has not been reported in the literature in individuals affected with TRAPPC11-related conditions. The frequency data for this variant in the population databases is considered unreliable, as metrics indicate poor data quality at this position in the gnomAD database.